The following is an entry in ClinVar:

ClinVar aggregate classification (germline): Conflicting classifications of pathogenicity. Review status: criteria provided, conflicting classifications (1 of 4 stars). 3 submissions from 3 submitters: Likely pathogenic (1); Uncertain significance (1). 1 of the submissions does not count toward it. Last evaluated 2026-08-06.

Conditions:
COL7A1-related disorder. Also called: COL7A1-related condition; COL7A1- related disorders.
Transient bullous dermolysis of the newborn (TBDN). Also called: DYSTROPHIC EPIDERMOLYSIS BULLOSA, NEONATAL; EPIDERMOLYSIS BULLOSA DYSTROPHICA, NEONATAL FORM. Identifiers: Orphanet 79411, MedGen C1851573, MONDO:0007548, OMIM 131705.

Allele frequency attached by ClinVar (database versions not stated): gnomAD 0.00001; TOPMed 0.00002; ExAC 0.00002.
gnomAD v4.1: 12 of 1,614,072 alleles (0.00074%); highest among the groups gnomAD compares: Admixed American, 0.015%; no homozygotes.

Submissions (3):

OLLIN Analises Genomicas, OLLIN
Classification: Uncertain significance for Transient bullous dermolysis of the newborn. Last evaluated: 2026-08-06. Review status: criteria provided, single submitter. Criteria: ACMG Guidelines 2015 PMID 25741868. Collection method: clinical testing. Allele origin: germline. Inheritance: Autosomal recessive inheritance.
Comment: This missense variant, located in exon 118 (of 119), has been reported in ClinVar (accession VCV001419019.7) and in gnomAD with an allele frequency of 0.00074%. However, to our knowledge, it has not been reported in the scientific literature. In silico analysis is inconclusive regarding the impact of this variant. According to the currently available evidence, this variant has been classified as uncertain significance (PM2_P).

Labcorp Genetics (formerly Invitae), Labcorp
Classification: Likely pathogenic. Last evaluated: 2026-02-01. Review status: criteria provided, single submitter. Criteria: Invitae Variant Classification Sherloc (09022015). Collection method: clinical testing. Allele origin: germline.
Comment: This sequence change replaces tryptophan, which is neutral and slightly polar, with cysteine, which is neutral and slightly polar, at codon 2892 of the COL7A1 protein (p.Trp2892Cys). This variant is present in population databases (rs755464659, gnomAD 0.01%). This missense change has been observed in individual(s) with clinical features of recessive dystrophic epidermolysis bullosa (internal data). In at least one individual the data is consistent with being in trans (on the opposite chromosome) from a pathogenic variant. ClinVar contains an entry for this variant (Variation ID: 1419019). Invitae Evidence Modeling of protein sequence and biophysical properties (such as structural, functional, and spatial information, amino acid conservation, physicochemical variation, residue mobility, and thermodynamic stability) indicates that this missense variant is expected to disrupt COL7A1 protein function with a positive predictive value of 95%. In summary, the currently available evidence indicates that the variant is pathogenic, but additional data are needed to prove that conclusively. Therefore, this variant has been classified as Likely Pathogenic.

PreventionGenetics, part of Exact Sciences
Classification: Uncertain significance for COL7A1-related condition. Last evaluated: 2024-08-12. Review status: no assertion criteria provided. Collection method: clinical testing. Allele origin: germline. Not counted in ClinVar's aggregate classification.
Comment: The COL7A1 c.8676G>T variant is predicted to result in the amino acid substitution p.Trp2892Cys. To our knowledge, this variant has not been reported in the literature. This variant is reported in 0.012% of alleles in individuals of African descent in gnomAD. At this time, the clinical significance of this variant is uncertain due to the absence of conclusive functional and genetic evidence.

NM_000094.4(COL7A1):c.8676G>T (p.Trp2892Cys)

Gene: COL7A1 (collagen type VII alpha 1 chain; minus strand). Cytogenetic location: 3p21.31.
Variant type: single nucleotide variant.
Coding change: c.8676G>T on transcript NM_000094.4 (MANE Select); coding-DNA position 8676, G replaced by T.
Protein change: p.Trp2892Cys; replaces tryptophan 2892 with cysteine.
Molecular consequence: missense variant.
Genome position (GRCh38, 1-based): chr3:48,564,925, C>A on the plus strand (G>T on the coding strand, the complement: COL7A1 is on the minus strand). VCF-style: chr3-48564925-C-A. GRCh37 (hg19) VCF-style: chr3-48602358-C-A.
Other names: c.8676G>T (NM_000094.3); short protein forms W2892C.
Identifiers: ClinVar variation 1419019 (VCV001419019.8), dbSNP rs755464659, ClinGen allele CA2377898.